The following is an entry in ClinVar:

ClinVar aggregate classification (germline): Uncertain significance (1 of 4 stars; one submission).

Conditions:
Inborn genetic diseases. Identifiers: MedGen C0950123, MeSH D030342.

gnomAD v4.1: 1 of 1,609,858 alleles (0.000062%); highest among the groups gnomAD compares: Admixed American, 0.0017%; no homozygotes.

Submission:

Ambry Genetics
Classification: Uncertain significance for Inborn genetic diseases. Last evaluated: 2024-04-01. Review status: criteria provided, single submitter. Criteria: Ambry Variant Classification Scheme 2023. Collection method: clinical testing. Allele origin: germline.
Comment: The p.G256A variant (also known as c.767G>C), located in coding exon 3 of the PIK3CA gene, results from a G to C substitution at nucleotide position 767. The glycine at codon 256 is replaced by alanine, an amino acid with similar properties. This amino acid position is conserved. In addition, this alteration is predicted to be deleterious by in silico analysis. Based on the available evidence, the clinical significance of this alteration remains unclear.

NM_006218.4(PIK3CA):c.767G>C (p.Gly256Ala)

Gene: PIK3CA (phosphatidylinositol-4,5-bisphosphate 3-kinase catalytic subunit alpha; plus strand). Cytogenetic location: 3q26.32.
Variant type: single nucleotide variant.
Coding change: c.767G>C on transcript NM_006218.4 (MANE Select); coding-DNA position 767, G replaced by C.
Protein change: p.Gly256Ala; replaces glycine 256 with alanine.
Molecular consequence: missense variant.
Genome position (GRCh38, 1-based): chr3:179,201,494, G>C. VCF-style: chr3-179201494-G-C. GRCh37 (hg19) VCF-style: chr3-178919282-G-C.
Other names: short protein forms G256A.
Identifiers: ClinVar variation 3306569 (VCV003306569.1).